The following is an entry in ClinVar:

ClinVar aggregate classification (germline): Pathogenic (1 of 4 stars; one submission).

Conditions:
Primary ciliary dyskinesia 30. Also called: CILIARY DYSKINESIA, PRIMARY, 30, WITH OR WITHOUT SITUS INVERSUS. Identifiers: Orphanet 244, MedGen C4015016, MONDO:0014465, OMIM 616037.

Allele frequency attached by ClinVar (database versions not stated): gnomAD exomes below 0.00001.

Submission:

Labcorp Genetics (formerly Invitae), Labcorp
Classification: Pathogenic for Primary ciliary dyskinesia 30. Last evaluated: 2018-09-20. Review status: criteria provided, single submitter. Criteria: Invitae Variant Classification Sherloc (09022015). Collection method: clinical testing. Allele origin: germline.
Comment: This sequence change creates a premature translational stop signal (p.Gln163*) in the CCDC151 gene. It is expected to result in an absent or disrupted protein product. This variant is not present in population databases (ExAC no frequency). This variant has not been reported in the literature in individuals with CCDC151-related disease. Loss-of-function variants in CCDC151 are known to be pathogenic (PMID: 25192045). For these reasons, this variant has been classified as Pathogenic.

Literature cited by the submitters: PubMed 25192045.

NM_145045.5(ODAD3):c.487C>T (p.Gln163Ter)

Gene: ODAD3 (outer dynein arm docking complex subunit 3; minus strand). Cytogenetic location: 19p13.2.
Variant type: single nucleotide variant.
Coding change: c.487C>T on transcript NM_145045.5 (MANE Select); coding-DNA position 487, C replaced by T.
Protein change: p.Gln163Ter; replaces glutamine 163 with a stop codon.
Molecular consequence: nonsense.
Genome position (GRCh38, 1-based): chr19:11,426,998, G>A on the plus strand (C>T on the coding strand, the complement: ODAD3 is on the minus strand). VCF-style: chr19-11426998-G-A. GRCh37 (hg19) VCF-style: chr19-11537818-G-A.
Other names: c.325C>T, p.Gln109Ter (NM_001302453.1); c.409C>T, p.Gln137Ter (NM_001302454.2); short protein forms Q109*, Q137*, Q163*.
Identifiers: ClinVar variation 647259 (VCV000647259.7), dbSNP rs1277185772, ClinGen allele CA404125303.